The following is an entry in ClinVar:

NM_019066.5(MAGEL2):c.1893T>A (p.Pro631=)

Gene: MAGEL2 (MAGE family member L2; minus strand). Cytogenetic location: 15q11.2.
Variant type: single nucleotide variant.
Coding change: c.1893T>A on transcript NM_019066.5 (MANE Select); coding-DNA position 1893, T replaced by A.
Protein change: p.Pro631=; no amino-acid change (proline 631 retained).
Molecular consequence: synonymous variant.
Genome position (GRCh38, 1-based): chr15:23,645,850, A>T on the plus strand (T>A on the coding strand, the complement: MAGEL2 is on the minus strand). VCF-style: chr15-23645850-A-T. GRCh37 (hg19) VCF-style: chr15-23890997-A-T.
Identifiers: ClinVar variation 3606664 (VCV003606664.2).

ClinVar aggregate classification (germline): Uncertain significance (1 of 4 stars; one submission).

Submission:

Labcorp Genetics (formerly Invitae), Labcorp
Classification: Uncertain significance. Last evaluated: 2024-03-25. Review status: criteria provided, single submitter. Criteria: Invitae Variant Classification Sherloc (09022015). Collection method: clinical testing. Allele origin: germline.
Comment: This sequence change affects codon 631 of the MAGEL2 mRNA. It is a 'silent' change, meaning that it does not change the encoded amino acid sequence of the MAGEL2 protein. This variant is not present in population databases (gnomAD no frequency). This variant has not been reported in the literature in individuals affected with MAGEL2-related conditions. Experimental studies and prediction algorithms are not available or were not evaluated, and the effect of this variant on mRNA splicing is currently unknown. In summary, the available evidence is currently insufficient to determine the role of this variant in disease. Therefore, it has been classified as a Variant of Uncertain Significance.